The following is an entry in ClinVar:

NM_001377.3(DYNC2H1):c.9409G>T (p.Val3137Phe)

Gene: DYNC2H1 (dynein cytoplasmic 2 heavy chain 1; plus strand). Cytogenetic location: 11q22.3.
Variant type: single nucleotide variant.
Coding change: c.9409G>T on transcript NM_001377.3 (MANE Select); coding-DNA position 9409, G replaced by T.
Protein change: p.Val3137Phe; replaces valine 3137 with phenylalanine.
Molecular consequence: missense variant.
Genome position (GRCh38, 1-based): chr11:103,231,315, G>T. VCF-style: chr11-103231315-G-T. GRCh37 (hg19) VCF-style: chr11-103102044-G-T.
Other names: c.9409G>T (NM_001080463.1); c.9409G>T, p.Val3137Phe (NM_001080463.2); short protein forms V3137F.
Identifiers: ClinVar variation 1981091 (VCV001981091.4), dbSNP rs565937214, ClinGen allele CA227407539.
Genomic context (GRCh38, chr11:103,231,315, plus strand): 5'-TTTAGGAATCTGAAGAAAACTGAAGACAGAAAAAGGAAACTAGAGGAGCTTCTTAATTCT[G>T]TTGGTCAAAAGGTATCAGAACTCAAAGAAAAGTAAGTTATATTTTGAAGTGTATTTTGGA-3'
Protein context (NP_001368.2, residues 3127-3147): KRKLEELLNS[Val3137Phe]GQKVSELKEK

ClinVar aggregate classification (germline): Uncertain significance. Review status: criteria provided, multiple submitters, no conflicts (2 of 4 stars). 2 submissions from 2 submitters: Uncertain significance (2). Last evaluated 2025-11-19.

Conditions:
Inborn genetic diseases. Identifiers: MedGen C0950123, MeSH D030342.
Jeune thoracic dystrophy. Also called: Jeune syndrome; Infantile thoracic dystrophy; Thoracic pelvic phalangeal dystrophy; Jeune's syndrome; Chondroectodermal dysplasia-like syndrome; Short-rib thoracic dysplasia. Identifiers: Orphanet 474, MedGen C0265275, MONDO:0018770.

Allele frequency attached by ClinVar (database versions not stated): gnomAD 0.00001; gnomAD exomes 0.00001; TOPMed 0.00002; 1000 Genomes Project 0.00020; 1000 Genomes Project 30x 0.00031.
gnomAD v4.1: 5 of 1,607,344 alleles (0.00031%); highest among the groups gnomAD compares: Admixed American, 0.0034%; no homozygotes.

Submissions (2):

Ambry Genetics
Classification: Uncertain significance for Inborn genetic diseases. Last evaluated: 2025-11-19. Review status: criteria provided, single submitter. Criteria: Ambry Variant Classification Scheme 2023. Collection method: clinical testing. Allele origin: germline.

Labcorp Genetics (formerly Invitae), Labcorp
Classification: Uncertain significance for Jeune thoracic dystrophy. Last evaluated: 2024-10-24. Review status: criteria provided, single submitter. Criteria: Invitae Variant Classification Sherloc (09022015). Collection method: clinical testing. Allele origin: germline.
Comment: This sequence change replaces valine, which is neutral and non-polar, with phenylalanine, which is neutral and non-polar, at codon 3137 of the DYNC2H1 protein (p.Val3137Phe). The frequency data for this variant in the population databases is considered unreliable, as metrics indicate poor data quality at this position in the gnomAD database. This variant has not been reported in the literature in individuals affected with DYNC2H1-related conditions. ClinVar contains an entry for this variant (Variation ID: 1981091). Invitae Evidence Modeling of protein sequence and biophysical properties (such as structural, functional, and spatial information, amino acid conservation, physicochemical variation, residue mobility, and thermodynamic stability) indicates that this missense variant is expected to disrupt DYNC2H1 protein function with a positive predictive value of 95%. In summary, the available evidence is currently insufficient to determine the role of this variant in disease. Therefore, it has been classified as a Variant of Uncertain Significance.